The following is an entry in ClinVar:

ClinVar aggregate classification (germline): Uncertain significance (1 of 4 stars; one submission).

Submission:

GeneDx
Classification: Uncertain significance. Last evaluated: 2024-10-14. Review status: criteria provided, single submitter. Criteria: GeneDx Variant Classification Process June 2021. Collection method: clinical testing. Allele origin: germline. Affected: yes.
Comment: Not observed at significant frequency in large population cohorts (gnomAD); In silico analysis supports that this missense variant has a deleterious effect on protein structure/function; Has not been previously published as pathogenic or benign to our knowledge

NM_001042681.2(RERE):c.1931T>G (p.Leu644Arg)

Gene: RERE (arginine-glutamic acid dipeptide repeats; minus strand). Cytogenetic location: 1p36.23.
Variant type: single nucleotide variant.
Coding change: c.1931T>G on transcript NM_001042681.2 (MANE Select); coding-DNA position 1931, T replaced by G.
Protein change: p.Leu644Arg; replaces leucine 644 with arginine.
Molecular consequence: missense variant.
Genome position (GRCh38, 1-based): chr1:8,361,848, A>C on the plus strand (T>G on the coding strand, the complement: RERE is on the minus strand). VCF-style: chr1-8361848-A-C. GRCh37 (hg19) VCF-style: chr1-8421908-A-C.
Other names: c.269T>G, p.Leu90Arg (NM_001042682.2); c.1931T>G, p.Leu644Arg (NM_012102.4); short protein forms L90R, L644R.
Identifiers: ClinVar variation 3781065 (VCV003781065.1).